The following is an entry in ClinVar:

ClinVar aggregate classification (germline): Likely pathogenic (1 of 4 stars; one submission).

Conditions:
Multiple sulfatase deficiency (MSD). Also called: Mucosulfatidosis; Multiple Sulfatase Deficiency Disease; Sulfatidosis, Juvenile, Austin Type. Identifiers: Orphanet 585, MedGen C0268263, MONDO:0010088, OMIM 272200.

Submission:

Labcorp Genetics (formerly Invitae), Labcorp
Classification: Likely pathogenic for Multiple sulfatase deficiency. Last evaluated: 2022-10-18. Review status: criteria provided, single submitter. Criteria: Invitae Variant Classification Sherloc (09022015). Collection method: clinical testing. Allele origin: germline.
Comment: This variant is a gross deletion of the genomic region encompassing exon(s) 2-3 of the SUMF1 gene. This variant would be expected to be in-frame, preserving the integrity of the reading frame. This variant has not been reported in the literature in individuals affected with SUMF1-related conditions. This variant disrupts the p.Ser155 amino acid residue in SUMF1. Other variant(s) that disrupt this residue have been determined to be pathogenic (PMID: 12757706, 16125993, 21224894, 25885655, 27344646). This suggests that this residue is clinically significant, and that variants that disrupt this residue are likely to be disease-causing. In summary, the currently available evidence indicates that the variant is pathogenic, but additional data are needed to prove that conclusively. Therefore, this variant has been classified as Likely Pathogenic.

Literature cited by the submitters: PubMed 12757706; PubMed 16125993; PubMed 21224894; PubMed 25885655; PubMed 27344646.

NC_000003.11:g.(?_4490930)_(4494753_?)del

Gene: SUMF1 (sulfatase modifying factor 1; minus strand). Cytogenetic location: 3p26.1.
Variant type: Deletion.
Identifiers: ClinVar variation 2427596 (VCV002427596.3).